The following is an entry in ClinVar:

ClinVar aggregate classification (germline): Pathogenic. Review status: reviewed by expert panel (3 of 4 stars). 7 submissions from 7 submitters: Pathogenic (1). 6 of the submissions do not count toward it. Last evaluated 2026-08-10.

Conditions:
Creatine transporter deficiency (CCDS1). Also called: Mental retardation , X-linked with seizures, short stature and midface hypoplasia; Mental retardation , X-linked, with creatine transport deficiency; X-linked creatine transporter deficiency; X-linked creatine deficiency syndrome; SLC6A8-Related Creatine Transporter Deficiency; CEREBRAL CREATINE DEFICIENCY SYNDROME 1. Identifiers: Orphanet 52503, MedGen C1845862, MONDO:0010305, OMIM 300352.

Submissions (7):

ClinGen Cerebral Creatine Deficiency Syndromes Variant Curation Expert Panel, ClinGen
Classification: Pathogenic for Creatine transporter deficiency. Last evaluated: 2026-08-10. Review status: reviewed by expert panel. Criteria: ClinGen CCDS ACMG Specifications SLC6A8 V2.1. Collection method: curation. Allele origin: germline. Inheritance: X-linked inheritance.
Comment: The NM_005629.4:c.626_627del (p.Pro209ArgfsTer87) variant in SLC6A8 is a frameshift variant predicted to cause a premature stop codon in exon 5 out of a total of 13 exons, leading to nonsense mediated decay in a gene in which loss-of-function is an established disease mechanism (PVS1). Possibly the same patient, with a similarly affected brother, was described in PMID: 32434645; the variant was identified on clinical exome sequencing, no creatine levels provided (PP4_Strong). The variant is absent in gnomAD v4.1.0 (PM2_Supporting). There is a ClinVar entry for this variant (Variation ID: 635461). In summary, this variant meets the criteria to be classified as pathogenic for creatine transporter deficiency based on the SLC6A8-specific ACMG/AMP criteria applied, as specified by the ClinGen Cerebral Creatine Deficiency Syndromes Variant Curation Expert Panel (Specifications Version 2.1.0): PVS1, PP4_Strong, PM2_Supporting. (Classification approved by the ClinGen Cerebral Creatine Deficiency Syndromes Variant Curation Expert Pane on August 10, 2026)

Labcorp Genetics (formerly Invitae), Labcorp
Classification: Pathogenic for Creatine transporter deficiency. Last evaluated: 2024-10-15. Review status: criteria provided, single submitter. Criteria: Invitae Variant Classification Sherloc (09022015). Collection method: clinical testing. Allele origin: germline. Not counted in ClinVar's aggregate classification.
Comment: This sequence change creates a premature translational stop signal (p.Pro209Argfs*87) in the SLC6A8 gene. It is expected to result in an absent or disrupted protein product. Loss-of-function variants in SLC6A8 are known to be pathogenic (PMID: 22281021). This variant is not present in population databases (gnomAD no frequency). This premature translational stop signal has been observed in individual(s) with creatine transporter deficiency (PMID: 32434645). ClinVar contains an entry for this variant (Variation ID: 635461). For these reasons, this variant has been classified as Pathogenic.

GeneDx
Classification: Pathogenic. Last evaluated: 2024-09-03. Review status: criteria provided, single submitter. Criteria: GeneDx Variant Classification Process June 2021. Collection method: clinical testing. Allele origin: germline. Affected: yes. Not counted in ClinVar's aggregate classification.
Comment: Frameshift variant predicted to result in protein truncation or nonsense mediated decay in a gene for which loss of function is a known mechanism of disease; Not observed at significant frequency in large population cohorts (gnomAD); This variant is associated with the following publications: (PMID: 32434645, 37795942)

Dasa
Classification: Pathogenic. Last evaluated: 2024-08-02. Review status: criteria provided, single submitter. Criteria: DASA Assertion Criteria. Collection method: clinical testing. Allele origin: germline. Not counted in ClinVar's aggregate classification.
Comment: NM_005629.4(SLC6A8):c.626_627del (p.Pro209Argfs*87) introduces a premature termination codon predicted to result in loss of normal protein function. Loss-of-function is an established mechanism of disease for this gene. Based on the available data, this variant is classified as pathogenic.

CeGaT Center for Human Genetics Tuebingen
Classification: Pathogenic. Last evaluated: 2022-07-01. Review status: criteria provided, single submitter. Criteria: CeGaT Center For Human Genetics Tuebingen Variant Classification Criteria Version 2. Collection method: clinical testing. Allele origin: germline. Affected: yes. Observed: 1 variant allele. Not counted in ClinVar's aggregate classification.
Comment: SLC6A8: PVS1, PM2

Juno Genomics, Hangzhou Juno Genomics, Inc
Classification: Pathogenic for Creatine transporter deficiency. Review status: criteria provided, single submitter. Criteria: ACMG Guidelines, 2015. Collection method: clinical testing. Allele origin: germline. Affected: yes. Not counted in ClinVar's aggregate classification.
Comment: Null variant in a gene where loss of function (LOF) is a known mechanism of disease.;Absent from controls (or at extremely low frequency if recessive) in Genome Aggregation Database, Exome Sequencing Project, 1000 Genomes Project, or Exome Aggregation Consortium.;The prevalence of the variant in affected individuals is significantly increased compared to the prevalence in controls.;Patient's phenotype or family history is highly specific for a disease with a single genetic etiology.

Bioscientia Institut fuer Medizinische Diagnostik GmbH, Sonic Healthcare
Classification: Pathogenic for Creatine transporter deficiency. Last evaluated: 2018-12-12. Review status: no assertion criteria provided. Collection method: clinical testing. Allele origin: germline. Affected: yes. Not counted in ClinVar's aggregate classification.

Literature cited by the submitters: PubMed 22281021 (cited by Labcorp Genetics (formerly Invitae), Labcorp); PubMed 32434645 (cited by Labcorp Genetics (formerly Invitae), Labcorp).

NM_005629.4(SLC6A8):c.626_627del (p.Pro209fs)

Gene: SLC6A8 (solute carrier family 6 member 8; plus strand). Cytogenetic location: Xq28.
Variant type: Deletion.
Coding change: c.626_627del on transcript NM_005629.4 (MANE Select); coding-DNA positions 626 to 627, 2 bases deleted (CT; older notation c.626_627delCT).
Protein change: p.Pro209fs; shifts the reading frame from proline 209.
Molecular consequence: frameshift variant.
Genome position (GRCh38, 1-based): chrX:153,691,535-153,691,536, CT deleted. VCF-style (leftmost placement, unchanged base first): chrX-153691534-CCT-C. GRCh37 (hg19) VCF-style: chrX-152956989-CCT-C.
Other names: NM_005629.4(SLC6A8):c.626_627del; p.Pro209fs; c.626_627del, p.Pro209fs (NM_001142805.2); c.281_282del, p.Pro94fs (NM_001142806.1); c.626_627delCT (NM_005629.3); short protein forms P94fs, P209fs.
Identifiers: ClinVar variation 635461 (VCV000635461.48), dbSNP rs1603215223, ClinGen allele CA913190432.
Genomic context (GRCh38, chrX:153,691,534, plus strand): 5'-GACTGTGCCAATGCCAGCCTGGCCAACCTCACCTGTGACCAGCTTGCTGACCGCCGGTCC[CCT>C]GTCATCGAGTTCTGGGAGTGAGTCCGGCACCTCTGGGCCAAGCCCATCCCATCCCCCAGG-3'